The following is an entry in ClinVar:

ClinVar aggregate classification (germline): Pathogenic (1 of 4 stars; one submission).

Conditions:
Hereditary cancer-predisposing syndrome. Also called: Hereditary neoplastic syndrome; Hereditary Cancer Syndrome; Neoplastic Syndromes, Hereditary; Tumor predisposition. Identifiers: Orphanet 140162, MedGen C0027672, MeSH D009386, MONDO:0015356.

Submission:

Color Diagnostics, LLC DBA Color Health
Classification: Pathogenic for Hereditary cancer-predisposing syndrome. Last evaluated: 2022-11-16. Review status: criteria provided, single submitter. Criteria: ACMG Guidelines, 2015. Collection method: clinical testing. Allele origin: germline.
Comment: This variant deletes 11 nucleotides in exon 3 of the RAD51C gene and inserts a new c.G nucleotide, creating a frameshift and premature translation stop signal. This variant is expected to result in an absent or non-functional protein product. This variant has not been reported in individuals affected with RAD51C-related disorders in the literature. This variant has not been identified in the general population by the Genome Aggregation Database (gnomAD). Loss of RAD51C function is a known mechanism of disease. Based on the available evidence, this variant is classified as Pathogenic.

NM_058216.3(RAD51C):c.529_539delinsG (p.Ile177fs)

Gene: RAD51C (RAD51 paralog C; plus strand). Cytogenetic location: 17q22.
Variant type: Indel.
Coding change: c.529_539delinsG on transcript NM_058216.3 (MANE Select); coding-DNA positions 529 to 539, ATTCAGCACCT replaced by G.
Protein change: p.Ile177fs; shifts the reading frame from isoleucine 177.
Molecular consequence: frameshift variant.
Genome position (GRCh38, 1-based): chr17:58,696,817-58,696,827, ATTCAGCACCT replaced by G. VCF-style: chr17-58696817-ATTCAGCACCT-G. GRCh37 (hg19) VCF-style: chr17-56774178-ATTCAGCACCT-G.
Other names: short protein forms I177fs.
Identifiers: ClinVar variation 2774197 (VCV002774197.2), dbSNP rs2509283109, ClinGen allele CA2697560121.